The following is an entry in ClinVar:

NM_002427.4(MMP13):c.344A>C (p.Lys115Thr)

Genes: MMP13 (matrix metallopeptidase 13; minus strand), LOC126861318 (BRD4-independent group 4 enhancer GRCh37_chr11:102825894-102827093; plus strand). Cytogenetic location: 11q22.2.
Variant type: single nucleotide variant.
Coding change: c.344A>C on transcript NM_002427.4 (MANE Select); coding-DNA position 344, A replaced by C.
Protein change: p.Lys115Thr; replaces lysine 115 with threonine.
Molecular consequence: missense variant.
Genome position (GRCh38, 1-based): chr11:102,955,270, T>G on the plus strand (A>C on the coding strand, the complement: MMP13 is on the minus strand). VCF-style: chr11-102955270-T-G. GRCh37 (hg19) VCF-style: chr11-102825999-T-G.
Other names: short protein forms K115T.
Identifiers: ClinVar variation 2083227 (VCV002083227.4), dbSNP rs548322553, ClinGen allele CA6252021.

ClinVar aggregate classification (germline): Uncertain significance (1 of 4 stars; one submission).

Allele frequency attached by ClinVar (database versions not stated): gnomAD 0.00006; ExAC 0.00011; 1000 Genomes Project 0.00040; 1000 Genomes Project 30x 0.00047.
gnomAD v4.1: 40 of 1,613,924 alleles (0.0025%); highest among the groups gnomAD compares: East Asian, 0.085%; no homozygotes.

Submission:

Labcorp Genetics (formerly Invitae), Labcorp
Classification: Uncertain significance. Last evaluated: 2026-01-22. Review status: criteria provided, single submitter. Criteria: Invitae Variant Classification Sherloc (09022015). Collection method: clinical testing. Allele origin: germline.
Comment: This sequence change replaces lysine, which is basic and polar, with threonine, which is neutral and polar, at codon 115 of the MMP13 protein (p.Lys115Thr). The frequency data for this variant in the population databases is considered unreliable, as metrics indicate poor data quality at this position in the gnomAD database. This variant has not been reported in the literature in individuals affected with MMP13-related conditions. ClinVar contains an entry for this variant (Variation ID: 2083227). Invitae Evidence Modeling of protein sequence and biophysical properties (such as structural, functional, and spatial information, amino acid conservation, physicochemical variation, residue mobility, and thermodynamic stability) indicates that this missense variant is not expected to disrupt MMP13 protein function with a negative predictive value of 80%. In summary, the available evidence is currently insufficient to determine the role of this variant in disease. Therefore, it has been classified as a Variant of Uncertain Significance.